The following is an entry in ClinVar:

NM_014989.7(RIMS1):c.2155A>G (p.Met719Val)

Gene: RIMS1 (regulating synaptic membrane exocytosis 1; plus strand). Cytogenetic location: 6q13.
Variant type: single nucleotide variant.
Coding change: c.2155A>G on transcript NM_014989.7 (MANE Select); coding-DNA position 2155, A replaced by G.
Protein change: p.Met719Val; replaces methionine 719 with valine.
Molecular consequence: missense variant.
Genome position (GRCh38, 1-based): chr6:72,248,041, A>G. VCF-style: chr6-72248041-A-G. GRCh37 (hg19) VCF-style: chr6-72957744-A-G.
Other names: c.577A>G, p.Met193Val (NM_001350416.2, NM_001350417.2, NM_001350418.2 and 37 more transcripts); c.508A>G, p.Met170Val (NM_001350421.2, NM_001350424.2, NM_001350437.2 and 6 more transcripts); c.532A>G, p.Met178Val (NM_001350474.2, NM_001350470.2, NM_001350472.2 and 2 more transcripts); c.334A>G, p.Met112Val (NM_001350465.2, NM_001350466.2, NM_001350467.2 and 6 more transcripts); short protein forms M170V, M178V, M193V, M719V, M112V.
Identifiers: ClinVar variation 2966739 (VCV002966739.3), dbSNP rs780449590, ClinGen allele CA3885915.

ClinVar aggregate classification (germline): Uncertain significance (1 of 4 stars; one submission).

Allele frequency attached by ClinVar (database versions not stated): gnomAD exomes below 0.00001; ExAC 0.00001.
gnomAD v4.1: 1 of 1,613,006 alleles (0.000062%); highest among the groups gnomAD compares: Admixed American, 0.0017%; no homozygotes.

Submission:

Labcorp Genetics (formerly Invitae), Labcorp
Classification: Uncertain significance. Last evaluated: 2023-12-04. Review status: criteria provided, single submitter. Criteria: Invitae Variant Classification Sherloc (09022015). Collection method: clinical testing. Allele origin: germline.
Comment: This sequence change replaces methionine, which is neutral and non-polar, with valine, which is neutral and non-polar, at codon 719 of the RIMS1 protein (p.Met719Val). This variant is present in population databases (rs780449590, gnomAD 0.003%). This variant has not been reported in the literature in individuals affected with RIMS1-related conditions. An algorithm developed to predict the effect of missense changes on protein structure and function (PolyPhen-2) suggests that this variant is likely to be tolerated. In summary, the available evidence is currently insufficient to determine the role of this variant in disease. Therefore, it has been classified as a Variant of Uncertain Significance.